The following is an entry in ClinVar:

NM_033337.3(CAV3):c.345G>C (p.Gln115His)

Genes: CAV3 (caveolin 3; plus strand), OXTR (oxytocin receptor; minus strand). Cytogenetic location: 3p25.3.
Variant type: single nucleotide variant.
Coding change: c.345G>C on transcript NM_033337.3 (MANE Select); coding-DNA position 345, G replaced by C.
Protein change: p.Gln115His; replaces glutamine 115 with histidine.
Molecular consequence: missense variant.
Genome position (GRCh38, 1-based): chr3:8,745,756, G>C. VCF-style: chr3-8745756-G-C. GRCh37 (hg19) VCF-style: chr3-8787442-G-C.
Other names: c.345G>C, p.Gln115His (NM_001234.5); short protein forms Q115H.
Identifiers: ClinVar variation 1057499 (VCV001057499.5), dbSNP rs758165061, ClinGen allele CA2236354.

ClinVar aggregate classification (germline): Uncertain significance (1 of 4 stars; one submission).

Conditions:
Long QT syndrome (LQTS). Identifiers: MedGen C0023976, MeSH D008133, MONDO:0002442. Disease mechanism: loss of function. Inheritance: Various modes of inheritance.

Allele frequency attached by ClinVar (database versions not stated): gnomAD exomes below 0.00001; ExAC 0.00001; gnomAD 0.00001; TOPMed 0.00001.
gnomAD v4.1: 1 of 1,613,994 alleles (0.000062%); highest among the groups gnomAD compares: African/African-American, 0.0013%; no homozygotes.

Submission:

Labcorp Genetics (formerly Invitae), Labcorp
Classification: Uncertain significance for Long QT syndrome. Last evaluated: 2024-02-20. Review status: criteria provided, single submitter. Criteria: Invitae Variant Classification Sherloc (09022015). Collection method: clinical testing. Allele origin: germline.
Comment: This sequence change replaces glutamine, which is neutral and polar, with histidine, which is basic and polar, at codon 115 of the CAV3 protein (p.Gln115His). This variant is present in population databases (rs758165061, gnomAD 0.007%). This variant has not been reported in the literature in individuals affected with CAV3-related conditions. ClinVar contains an entry for this variant (Variation ID: 1057499). An algorithm developed to predict the effect of missense changes on protein structure and function (PolyPhen-2) suggests that this variant is likely to be tolerated. In summary, the available evidence is currently insufficient to determine the role of this variant in disease. Therefore, it has been classified as a Variant of Uncertain Significance.